The following is an entry in ClinVar:

ClinVar aggregate classification (germline): Uncertain significance. Review status: criteria provided, multiple submitters, no conflicts (2 of 4 stars). 2 submissions from 2 submitters: Uncertain significance (2). Last evaluated 2024-10-24.

Conditions:
Tuberous sclerosis 2 (TSC2). Identifiers: Orphanet 805, MedGen C1860707, MONDO:0013199, OMIM 613254.
Hereditary cancer-predisposing syndrome. Also called: Neoplastic Syndromes, Hereditary; Hereditary neoplastic syndrome; Tumor predisposition; Hereditary Cancer Syndrome. Identifiers: Orphanet 140162, MedGen C0027672, MeSH D009386, MONDO:0015356.

Submissions (2):

Labcorp Genetics (formerly Invitae), Labcorp
Classification: Uncertain significance for Tuberous sclerosis 2. Last evaluated: 2024-10-24. Review status: criteria provided, single submitter. Criteria: Invitae Variant Classification Sherloc (09022015). Collection method: clinical testing. Allele origin: germline.
Comment: This sequence change replaces leucine, which is neutral and non-polar, with phenylalanine, which is neutral and non-polar, at codon 750 of the TSC2 protein (p.Leu750Phe). Information on the frequency of this variant in the gnomAD database is not available, as this variant may be reported differently in the database. This variant has not been reported in the literature in individuals affected with TSC2-related conditions. ClinVar contains an entry for this variant (Variation ID: 842939). Experimental studies and prediction algorithms are not available or were not evaluated, and the functional significance of this variant is currently unknown. In summary, the available evidence is currently insufficient to determine the role of this variant in disease. Therefore, it has been classified as a Variant of Uncertain Significance.

Ambry Genetics
Classification: Uncertain significance for Hereditary cancer-predisposing syndrome. Last evaluated: 2024-06-07. Review status: criteria provided, single submitter. Criteria: Ambry Variant Classification Scheme 2023. Collection method: clinical testing. Allele origin: germline.
Comment: The c.2247_2248delGCinsAT variant (also known as p.L750F), located in coding exon 20 of the TSC2 gene, results from an in-frame deletion of GC and insertion of AT at nucleotide positions 2247 to 2248. This results in the substitution of the leucine residue for a phenylalanine residue at codon 750, an amino acid with highly similar properties. This amino acid position is highly conserved in available vertebrate species. In addition, the in silico prediction for this alteration is inconclusive (Choi Y et al. PLoS ONE. 2012; 7(10):e46688). Based on the available evidence, the clinical significance of this variant remains unclear.

NM_000548.5(TSC2):c.2247_2248delinsAT (p.Leu750Phe)

Gene: TSC2 (TSC complex subunit 2; plus strand). Cytogenetic location: 16p13.3.
Variant type: Indel.
Coding change: c.2247_2248delinsAT on transcript NM_000548.5 (MANE Select); coding-DNA positions 2247 to 2248, GC replaced by AT.
Protein change: p.Leu750Phe; replaces leucine 750 with phenylalanine.
Molecular consequence: missense variant.
Genome position (GRCh38, 1-based): chr16:2,072,875-2,072,876, GC replaced by AT. VCF-style: chr16-2072875-GC-AT. GRCh37 (hg19) VCF-style: chr16-2122876-GC-AT.
Other names: c.2247_2248delinsAT, p.Leu750Phe (NM_001077183.3, NM_001114382.3, NM_001363528.2 and 3 more transcripts); c.2136_2137delinsAT, p.Leu713Phe (NM_001318827.2); c.2100_2101delinsAT, p.Leu701Phe (NM_001318829.2); c.1647_1648delinsAT, p.Leu550Phe (NM_001318831.2); c.2280_2281delinsAT, p.Leu761Phe (NM_001318832.2); c.2247_2248delGCinsAT (NM_000548.3); short protein forms L550F, L701F, L713F, L750F, L761F.
Identifiers: ClinVar variation 842939 (VCV000842939.9), dbSNP rs2088687656, ClinGen allele CA916081771.